The following is an entry in ClinVar:

ClinVar aggregate classification (germline): Conflicting classifications of pathogenicity. Review status: criteria provided, conflicting classifications (1 of 4 stars). 2 submissions from 2 submitters: Uncertain significance (1); Likely benign (1). Last evaluated 2025-12-03.

Conditions:
Hereditary cancer-predisposing syndrome. Also called: Hereditary Cancer Syndrome; Hereditary neoplastic syndrome; Neoplastic Syndromes, Hereditary; Tumor predisposition. Identifiers: Orphanet 140162, MedGen C0027672, MeSH D009386, MONDO:0015356.
Oligodontia-cancer predisposition syndrome. Also called: TOOTH AGENESIS-COLORECTAL CANCER SYNDROME. Identifiers: Orphanet 300576, MedGen C1837750, MONDO:0012075, OMIM 608615. Disease mechanism: loss of function.

Submissions (2):

Labcorp Genetics (formerly Invitae), Labcorp
Classification: Uncertain significance for Oligodontia-cancer predisposition syndrome. Last evaluated: 2025-12-03. Review status: criteria provided, single submitter. Criteria: Invitae Variant Classification Sherloc (09022015). Collection method: clinical testing. Allele origin: germline.
Comment: This sequence change replaces threonine, which is neutral and polar, with asparagine, which is neutral and polar, at codon 107 of the AXIN2 protein (p.Thr107Asn). This variant is not present in population databases (gnomAD no frequency). This variant has not been reported in the literature in individuals affected with AXIN2-related conditions. ClinVar contains an entry for this variant (Variation ID: 1063946). Invitae Evidence Modeling of protein sequence and biophysical properties (such as structural, functional, and spatial information, amino acid conservation, physicochemical variation, residue mobility, and thermodynamic stability) indicates that this missense variant is not expected to disrupt AXIN2 protein function with a negative predictive value of 80%. In summary, the available evidence is currently insufficient to determine the role of this variant in disease. Therefore, it has been classified as a Variant of Uncertain Significance.

Ambry Genetics
Classification: Likely benign for Hereditary cancer-predisposing syndrome. Last evaluated: 2024-07-05. Review status: criteria provided, single submitter. Criteria: Ambry Variant Classification Scheme 2023. Collection method: clinical testing. Allele origin: germline.

NM_004655.4(AXIN2):c.320C>A (p.Thr107Asn)

Gene: AXIN2 (axin 2; minus strand). Cytogenetic location: 17q24.1.
Variant type: single nucleotide variant.
Coding change: c.320C>A on transcript NM_004655.4 (MANE Select); coding-DNA position 320, C replaced by A.
Protein change: p.Thr107Asn; replaces threonine 107 with asparagine.
Molecular consequence: missense variant.
Genome position (GRCh38, 1-based): chr17:65,558,301, G>T on the plus strand (C>A on the coding strand, the complement: AXIN2 is on the minus strand). VCF-style: chr17-65558301-G-T. GRCh37 (hg19) VCF-style: chr17-63554419-G-T.
Other names: c.320C>A, p.Thr107Asn (NM_001363813.1); short protein forms T107N.
Identifiers: ClinVar variation 1063946 (VCV001063946.12), dbSNP rs1567769197, ClinGen allele CA400681661.
Genomic context (GRCh38, chr17:65,558,301, plus strand): 5'-GTTTTGGTATCCTTCAGGTTCATCTGCCTGAATCCATTGCAGGCAAACCAGAAGTCTAAG[G>T]TATCCACGCATTTCTCCCTCTCCAGGAAAGTTCGGAACAGGTAAGCACCGTCTTGATCGC-3'
Protein context (NP_004646.3, residues 97-117): TFLEREKCVD[Thr107Asn]LDFWFACNGF